The following is an entry in ClinVar:

ClinVar aggregate classification (germline): Uncertain significance. Review status: criteria provided, multiple submitters, no conflicts (2 of 4 stars). 6 submissions from 6 submitters: Uncertain significance (5). 1 of the submissions does not count toward it. Last evaluated 2026-01-17.

Conditions:
Macular degeneration, age-related, 3 (ARMD3). Identifiers: Orphanet 280598, MedGen C1837187, MONDO:0012145, OMIM 608895.
Charcot-Marie-Tooth disease, demyelinating, IIA 1H. Also called: Charcot-Marie-Tooth disease, demyelinating, type 1H; HEREDITARY MOTOR AND SENSORY NEUROPATHY, IH; CHARCOT-MARIE-TOOTH NEUROPATHY, TYPE 1H; NEUROPATHY, HEREDITARY, WITH OR WITHOUT AGE-RELATED MACULAR DEGENERATION. Identifiers: MedGen C5676926, MONDO:0030689, OMIM 619764.
Cutis laxa, autosomal recessive, type 1A (ARCL1A). Also called: Autosomal recessive cutis laxa type IA. Identifiers: Orphanet 90349, MedGen C5848058, MONDO:0009052, OMIM 219100.
Cutis laxa, autosomal dominant 2 (ADCL2). Identifiers: Orphanet 90348, MedGen C3280794, MONDO:0013751, OMIM 614434.
Age-related macular degeneration (ARMD). Also called: MACULAR DEGENERATION, AGE-RELATED, REDUCED RISK OF. Identifiers: MedGen C0242383, MONDO:0005150.

Allele frequency attached by ClinVar (database versions not stated): 1000 Genomes Project 30x 0.00016; 1000 Genomes Project 0.00020; ExAC 0.00021; ESP Exome Variant Server 0.00023; gnomAD 0.00025 and 0.00026; gnomAD exomes 0.00026 and 0.00031; TOPMed 0.00026.

Submissions (6):

Labcorp Genetics (formerly Invitae), Labcorp
Classification: Uncertain significance. Last evaluated: 2026-01-17. Review status: criteria provided, single submitter. Criteria: Invitae Variant Classification Sherloc (09022015). Collection method: clinical testing. Allele origin: germline.
Comment: This sequence change replaces glycine, which is neutral and non-polar, with serine, which is neutral and polar, at codon 267 of the FBLN5 protein (p.Gly267Ser). This variant is present in population databases (rs149396611, gnomAD 0.09%). This missense change has been observed in individual(s) with macular degeneration and/or cutis laxa (PMID: 16652333, 21576112). ClinVar contains an entry for this variant (Variation ID: 502499). Invitae Evidence Modeling of protein sequence and biophysical properties (such as structural, functional, and spatial information, amino acid conservation, physicochemical variation, residue mobility, and thermodynamic stability) indicates that this missense variant is expected to disrupt FBLN5 protein function with a positive predictive value of 80%. Experimental studies are conflicting or provide insufficient evidence to determine the effect of this variant on FBLN5 function (PMID: 20007835, 20599547). In summary, the available evidence is currently insufficient to determine the role of this variant in disease. Therefore, it has been classified as a Variant of Uncertain Significance.

Mayo Clinic Laboratories, Mayo Clinic
Classification: Uncertain significance. Last evaluated: 2025-06-03. Review status: criteria provided, single submitter. Criteria: ACMG Guidelines, 2015. Collection method: clinical testing. Allele origin: germline. Observed: 1 variant allele.
Comment: PP3_strong

GeneDx
Classification: Uncertain significance. Last evaluated: 2025-05-21. Review status: criteria provided, single submitter. Criteria: GeneDx Variant Classification Process June 2021. Collection method: clinical testing. Allele origin: germline. Affected: yes.
Comment: Reported in the heterozygous state in two individuals with age-related macular degeneration (PMID: 21576112); Functional studies using Western blot and chromophoric calcium chelation studies suggest the G267S variant may cause protein misfolding and protein retention. However, other studies demonstrated that G267S was similar to wild-type in chromotograms and may not significantly affect the dimerization or aggregation of fibulin 5 (PMID: 20599547, 16652333, 20007835); In silico analysis supports that this missense variant has a deleterious effect on protein structure/function; This variant is associated with the following publications: (PMID: 16652333, 19798595, 25377141, 20007835, 37734845, 21576112, 20599547)

Department of Pathology and Laboratory Medicine, Sinai Health System
Classification: Uncertain significance for Charcot-Marie-Tooth disease, demyelinating, IIA 1H; Cutis laxa, autosomal dominant 2; Macular degeneration, age-related, 3; Cutis laxa, autosomal recessive, type 1A. Last evaluated: 2023-08-03. Review status: criteria provided, single submitter. Criteria: ACMG Guidelines, 2015. Collection method: research. Allele origin: germline.

Eurofins Ntd Llc (ga)
Classification: Uncertain significance. Last evaluated: 2017-06-26. Review status: criteria provided, single submitter. Criteria: EGL Classification Definitions 2015. Collection method: clinical testing. Allele origin: germline. Observed: 1 variant allele, 1 heterozygote.

Inherited Neuropathy Consortium Ii, University Of Miami
Classification: Uncertain significance. Last evaluated: 2016-01-06. Review status: no assertion criteria provided. Collection method: literature only. Allele origin: germline. Affected: yes. Not counted in ClinVar's aggregate classification.

Literature cited by the submitters: PubMed 16652333 (cited by 3 submitters); PubMed 21576112 (cited by Labcorp Genetics (formerly Invitae), Labcorp and Mayo Clinic Laboratories, Mayo Clinic); PubMed 20007835 (cited by Labcorp Genetics (formerly Invitae), Labcorp and Mayo Clinic Laboratories, Mayo Clinic); PubMed 20599547 (cited by Labcorp Genetics (formerly Invitae), Labcorp and Mayo Clinic Laboratories, Mayo Clinic); PubMed 22872678 (cited by Mayo Clinic Laboratories, Mayo Clinic); PubMed 37734845 (cited by Mayo Clinic Laboratories, Mayo Clinic).

NM_006329.4(FBLN5):c.799G>A (p.Gly267Ser)

Gene: FBLN5 (fibulin 5; minus strand). Cytogenetic location: 14q32.12.
Variant type: single nucleotide variant.
Coding change: c.799G>A on transcript NM_006329.4 (MANE Select); coding-DNA position 799, G replaced by A.
Protein change: p.Gly267Ser; replaces glycine 267 with serine.
Molecular consequence: missense variant.
Genome position (GRCh38, 1-based): chr14:91,883,017, C>T on the plus strand (G>A on the coding strand, the complement: FBLN5 is on the minus strand). VCF-style: chr14-91883017-C-T. GRCh37 (hg19) VCF-style: chr14-92349361-C-T.
Other names: p.Gly267Ser; c.922G>A, p.Gly308Ser (NM_001384158.1); c.850G>A, p.Gly284Ser (NM_001384159.1); c.799G>A, p.Gly267Ser (NM_001384160.1); c.631G>A, p.Gly211Ser (NM_001384161.1, NM_001384162.1); short protein forms G267S, G211S, G284S, G308S.
Identifiers: ClinVar variation 502499 (VCV000502499.21), dbSNP rs149396611, ClinGen allele CA7312733.